The following is an entry in ClinVar:

ClinVar aggregate classification (germline): Pathogenic. Review status: criteria provided, multiple submitters, no conflicts (2 of 4 stars). 2 submissions from 2 submitters: Pathogenic (2). Last evaluated 2026-09-10.

Conditions:
Familial cancer of breast. Also called: BREAST CANCER, FAMILIAL; hereditary breast carcinoma; Hereditary breast cancer. Identifiers: Orphanet 227535, MedGen C0346153, MONDO:0016419, OMIM 114480. Disease mechanism: loss of function.
Hereditary cancer-predisposing syndrome. Also called: Hereditary neoplastic syndrome; Hereditary Cancer Syndrome; Neoplastic Syndromes, Hereditary; Tumor predisposition. Identifiers: Orphanet 140162, MedGen C0027672, MeSH D009386, MONDO:0015356.

Submissions (2):

Ambry Genetics
Classification: Pathogenic for Hereditary cancer-predisposing syndrome. Last evaluated: 2026-09-10. Review status: criteria provided, single submitter. Criteria: Ambry Variant Classification Scheme 2023. Collection method: clinical testing. Allele origin: germline.
Comment: The c.562delG pathogenic mutation, located in coding exon 4 of the PALB2 gene, results from a deletion of one nucleotide at nucleotide position 562, causing a translational frameshift with a predicted alternate stop codon (p.A188Lfs*5). This variant is considered to be rare based on population cohorts in the Genome Aggregation Database (gnomAD). This variant is expected to result in loss of function by premature protein truncation or nonsense-mediated mRNA decay. As such, this variant is interpreted as a disease-causing mutation.

Myriad Genetics, Inc.
Classification: Pathogenic for Familial cancer of breast. Last evaluated: 2023-09-06. Review status: criteria provided, single submitter. Criteria: Myriad Autosomal Dominant, Autosomal Recessive and X-Linked Classification Criteria (2023). Collection method: clinical testing. Allele origin: unknown.
Comment: This variant is considered pathogenic. This variant creates a frameshift predicted to result in premature protein truncation.

NM_024675.4(PALB2):c.562del (p.Ala188fs)

Gene: PALB2 (partner and localizer of BRCA2; minus strand). Cytogenetic location: 16p12.2.
Variant type: Deletion.
Coding change: c.562del on transcript NM_024675.4 (MANE Select); coding-DNA position 562, one base deleted (G; older notation c.562delG).
Protein change: p.Ala188fs; shifts the reading frame from alanine 188.
Molecular consequence: frameshift variant. On other transcripts: 5 prime UTR variant (8), intron variant (3).
Genome position (GRCh38, 1-based): chr16:23,635,984, C deleted on the plus strand (G on the coding strand, the reverse complement: PALB2 is on the minus strand). VCF-style (leftmost placement, unchanged base first): chr16-23635983-GC-G. GRCh37 (hg19) VCF-style: chr16-23647304-GC-G.
Other names: c.502del, p.Ala168fs (NM_001407296.1); c.562del, p.Ala188fs (NM_001407297.1, NM_001407298.1, NM_001407299.1 and 3 more transcripts); c.-324del (NM_001407304.1, NM_001407305.1, NM_001407306.1 and 5 more transcripts); c.48+5126del (NM_001407314.1); c.-105+5126del (NM_001407313.1, NM_001407312.1); short protein forms A168fs, A188fs.
Identifiers: ClinVar variation 2674139 (VCV002674139.2), dbSNP rs2506507642, ClinGen allele CA2695197549.